The following is an entry in ClinVar:

NM_001211.6(BUB1B):c.1613A>G (p.Glu538Gly)

Gene: BUB1B (BUB1 mitotic checkpoint serine/threonine kinase B; plus strand). Cytogenetic location: 15q15.1.
Variant type: single nucleotide variant.
Coding change: c.1613A>G on transcript NM_001211.6 (MANE Select); coding-DNA position 1613, A replaced by G.
Protein change: p.Glu538Gly; replaces glutamic acid 538 with glycine.
Molecular consequence: missense variant.
Genome position (GRCh38, 1-based): chr15:40,202,450, A>G. VCF-style: chr15-40202450-A-G. GRCh37 (hg19) VCF-style: chr15-40494651-A-G.
Other names: short protein forms E538G.
Identifiers: ClinVar variation 4781696 (VCV004781696.1).

ClinVar aggregate classification (germline): Uncertain significance (1 of 4 stars; one submission).

Conditions:
Mosaic variegated aneuploidy syndrome 1 (MVA1). Also called: Warburton-Anyane-Yeboa syndrome. Identifiers: Orphanet 1052, MedGen C1850343, MONDO:0009759, OMIM 257300.

Submission:

Labcorp Genetics (formerly Invitae), Labcorp
Classification: Uncertain significance for Mosaic variegated aneuploidy syndrome 1. Last evaluated: 2025-09-28. Review status: criteria provided, single submitter. Criteria: Invitae Variant Classification Sherloc (09022015). Collection method: clinical testing. Allele origin: germline.
Comment: This sequence change replaces glutamic acid, which is acidic and polar, with glycine, which is neutral and non-polar, at codon 538 of the BUB1B protein (p.Glu538Gly). This variant is not present in population databases (gnomAD no frequency). This variant has not been reported in the literature in individuals affected with BUB1B-related conditions. An algorithm developed to predict the effect of missense changes on protein structure and function (PolyPhen-2) suggests that this variant is likely to be tolerated. In summary, the available evidence is currently insufficient to determine the role of this variant in disease. Therefore, it has been classified as a Variant of Uncertain Significance.